The following is an entry in ClinVar:

NM_033116.6(NEK9):c.153C>T (p.His51=)

Gene: NEK9 (NIMA related kinase 9; minus strand). Cytogenetic location: 14q24.3.
Variant type: single nucleotide variant.
Coding change: c.153C>T on transcript NM_033116.6 (MANE Select); coding-DNA position 153, C replaced by T.
Protein change: p.His51=; no amino-acid change (histidine 51 retained).
Molecular consequence: synonymous variant. On other transcripts: intron variant (1).
Genome position (GRCh38, 1-based): chr14:75,126,769, G>A on the plus strand (C>T on the coding strand, the complement: NEK9 is on the minus strand). VCF-style: chr14-75126769-G-A. GRCh37 (hg19) VCF-style: chr14-75593472-G-A.
Other names: c.153C>T, p.His51= (NM_001329237.2); c.-136+136C>T (NM_001329238.2).
Identifiers: ClinVar variation 3029481 (VCV003029481.2), dbSNP rs1566663876, ClinGen allele CA487185000.

ClinVar aggregate classification (germline): Likely benign (0 of 4 stars; one submission).

Conditions:
NEK9-related disorder. Also called: NEK9-related condition.

Submission:

PreventionGenetics, part of Exact Sciences
Classification: Likely benign for NEK9-related condition. Last evaluated: 2023-03-08. Review status: no assertion criteria provided. Collection method: clinical testing. Allele origin: germline.
Comment: This variant is classified as likely benign based on ACMG/AMP sequence variant interpretation guidelines (Richards et al. 2015 PMID: 25741868, with internal and published modifications).